The following is an entry in ClinVar:

NM_005687.5(FARSB):c.58+2T>C

Gene: FARSB (phenylalanyl-tRNA synthetase subunit beta; minus strand). Cytogenetic location: 2q36.1.
Variant type: single nucleotide variant.
Coding change: c.58+2T>C on transcript NM_005687.5 (MANE Select); the canonical splice donor site of the intron after coding-DNA position 58, T replaced by C.
Molecular consequence: splice donor variant.
Genome position (GRCh38, 1-based): chr2:222,656,014, A>G on the plus strand (T>C on the coding strand, the complement: FARSB is on the minus strand). VCF-style: chr2-222656014-A-G. GRCh37 (hg19) VCF-style: chr2-223520733-A-G.
Identifiers: ClinVar variation 2797522 (VCV002797522.3), dbSNP rs1310042249, ClinGen allele CA350822167.

ClinVar aggregate classification (germline): Likely pathogenic (1 of 4 stars; one submission).

Submission:

Labcorp Genetics (formerly Invitae), Labcorp
Classification: Likely pathogenic. Last evaluated: 2023-07-21. Review status: criteria provided, single submitter. Criteria: Invitae Variant Classification Sherloc (09022015). Collection method: clinical testing. Allele origin: germline.
Comment: In summary, the currently available evidence indicates that the variant is pathogenic, but additional data are needed to prove that conclusively. Therefore, this variant has been classified as Likely Pathogenic. This sequence change affects a donor splice site in intron 1 of the FARSB gene. It is expected to disrupt RNA splicing. Variants that disrupt the donor or acceptor splice site typically lead to a loss of protein function (PMID: 16199547), and loss-of-function variants in FARSB are known to be pathogenic (PMID: 29573743, 29979980). This variant is not present in population databases (gnomAD no frequency). Algorithms developed to predict the effect of sequence changes on RNA splicing suggest that this variant may disrupt the consensus splice site. This variant has not been reported in the literature in individuals affected with FARSB-related conditions.

Literature cited by the submitters: PubMed 16199547; PubMed 29573743; PubMed 29979980.